The following is an entry in ClinVar:

ClinVar aggregate classification (germline): Conflicting classifications of pathogenicity. Review status: criteria provided, conflicting classifications (1 of 4 stars). 3 submissions from 3 submitters: Uncertain significance (2); Likely benign (1). Last evaluated 2025-11-17.

Conditions:
Dilated cardiomyopathy 1J (CMD1J). Also called: CARDIOMYOPATHY, DILATED, WITH SENSORINEURAL HEARING LOSS, AUTOSOMAL DOMINANT. Identifiers: Orphanet 217622, MedGen C1854368, MONDO:0011541, OMIM 605362.
Cardiovascular phenotype. Identifiers: MedGen CN230736.

Allele frequency attached by ClinVar (database versions not stated): TOPMed 0.00006.
gnomAD v4.1: 132 of 1,613,628 alleles (0.0082%); highest among the groups gnomAD compares: Non-Finnish European, 0.01%; no homozygotes.

Submissions (3):

Labcorp Genetics (formerly Invitae), Labcorp
Classification: Uncertain significance for Dilated cardiomyopathy 1J. Last evaluated: 2025-11-17. Review status: criteria provided, single submitter. Criteria: Invitae Variant Classification Sherloc (09022015). Collection method: clinical testing. Allele origin: germline.
Comment: This sequence change replaces leucine, which is neutral and non-polar, with valine, which is neutral and non-polar, at codon 35 of the EYA4 protein (p.Leu35Val). This variant is present in population databases (rs35562371, gnomAD 0.008%). This variant has not been reported in the literature in individuals affected with EYA4-related conditions. ClinVar contains an entry for this variant (Variation ID: 839376). An algorithm developed to predict the effect of missense changes on protein structure and function (PolyPhen-2) suggests that this variant is likely to be tolerated. In summary, the available evidence is currently insufficient to determine the role of this variant in disease. Therefore, it has been classified as a Variant of Uncertain Significance.

Ambry Genetics
Classification: Uncertain significance for Cardiovascular phenotype. Last evaluated: 2024-09-04. Review status: criteria provided, single submitter. Criteria: Ambry Variant Classification Scheme 2023. Collection method: clinical testing. Allele origin: germline.
Comment: The p.L35V variant (also known as c.103C>G), located in coding exon 3 of the EYA4 gene, results from a C to G substitution at nucleotide position 103. The leucine at codon 35 is replaced by valine, an amino acid with highly similar properties. This amino acid position is conserved. In addition, this alteration is predicted to be deleterious by in silico analysis. Since supporting evidence is limited at this time, the clinical significance of this alteration remains unclear.

Women's Health and Genetics/Laboratory Corporation of America, LabCorp
Classification: Likely benign. Last evaluated: 2020-12-21. Review status: criteria provided, single submitter. Criteria: LabCorp Variant Classification Summary - May 2015. Collection method: clinical testing. Allele origin: germline.
Comment: Variant summary: EYA4 c.103C>G (p.Leu35Val) results in a conservative amino acid change in the encoded protein sequence. Three of five in-silico tools predict a damaging effect of the variant on protein function. The variant allele was found at a frequency of 4e-05 in 251396 control chromosomes. The observed variant frequency is approximately 3 fold of the estimated maximal expected allele frequency for a pathogenic variant in EYA4 causing Dilated Cardiomyopathy phenotype (1.6e-05), strongly suggesting that the variant is benign. To our knowledge, no occurrence of c.103C>G in individuals affected with Dilated Cardiomyopathy and no experimental evidence demonstrating its impact on protein function have been reported. One clinical diagnostic laboratory has submitted clinical-significance assessments for this variant to ClinVar after 2014 without evidence for independent evaluation. One laboratory classified the variant as uncertain significance. Based on the evidence outlined above, the variant was classified as likely benign.

NM_004100.5(EYA4):c.103C>G (p.Leu35Val)

Gene: EYA4 (EYA transcriptional coactivator and phosphatase 4; plus strand). Cytogenetic location: 6q23.2.
Variant type: single nucleotide variant.
Coding change: c.103C>G on transcript NM_004100.5 (MANE Select); coding-DNA position 103, C replaced by G.
Protein change: p.Leu35Val; replaces leucine 35 with valine.
Molecular consequence: missense variant.
Genome position (GRCh38, 1-based): chr6:133,446,649, C>G. VCF-style: chr6-133446649-C-G. GRCh37 (hg19) VCF-style: chr6-133767787-C-G.
Other names: c.103C>G, p.Leu35Val (NM_001301012.2, NM_001301013.2, NM_001370458.1 and 3 more transcripts); short protein forms L35V.
Identifiers: ClinVar variation 839376 (VCV000839376.13), dbSNP rs35562371, ClinGen allele CA4007960.